The following is an entry in ClinVar:

ClinVar aggregate classification (germline): Likely benign (1 of 4 stars; one submission).

Submission:

CeGaT Center for Human Genetics Tuebingen
Classification: Likely benign. Last evaluated: 2023-10-01. Review status: criteria provided, single submitter. Criteria: CeGaT Center For Human Genetics Tuebingen Variant Classification Criteria Version 2. Collection method: clinical testing. Allele origin: germline. Affected: yes. Observed: 1 variant allele.
Comment: HSPG2: PM2:Supporting, BP4, BP7

NM_005529.7(HSPG2):c.2610G>A (p.Arg870=)

Gene: HSPG2 (heparan sulfate proteoglycan 2; minus strand). Cytogenetic location: 1p36.12.
Variant type: single nucleotide variant.
Coding change: c.2610G>A on transcript NM_005529.7 (MANE Select); coding-DNA position 2610, G replaced by A.
Protein change: p.Arg870=; no amino-acid change (arginine 870 retained).
Molecular consequence: synonymous variant.
Genome position (GRCh38, 1-based): chr1:21,878,440, C>T on the plus strand (G>A on the coding strand, the complement: HSPG2 is on the minus strand). VCF-style: chr1-21878440-C-T. GRCh37 (hg19) VCF-style: chr1-22204933-C-T.
Other names: c.2613G>A, p.Arg871= (NM_001291860.2).
Identifiers: ClinVar variation 2582854 (VCV002582854.25), dbSNP rs2550774019, ClinGen allele CA416564400.